The following is an entry in ClinVar:

ClinVar aggregate classification (germline): Uncertain significance (1 of 4 stars; one submission).

Conditions:
Emery-Dreifuss muscular dystrophy (EDMD). Also called: Scapuloperoneal syndrome, X-linked (formerly); Humeroperoneal neuromuscular disease, (formerly). Identifiers: Orphanet 261, MedGen C0410189, MONDO:0016830.

Allele frequency attached by ClinVar (database versions not stated): gnomAD 0.00039 and 0.00041; TOPMed 0.00045; gnomAD exomes 0.00046 and 0.00081; ESP Exome Variant Server 0.00054; ExAC 0.00055.
gnomAD v4.1: 1,220 of 1,613,954 alleles (0.076%); highest among the groups gnomAD compares: Non-Finnish European, 0.1%; 2 homozygotes.

Submission:

Labcorp Genetics (formerly Invitae), Labcorp
Classification: Uncertain significance for Emery-Dreifuss muscular dystrophy. Last evaluated: 2025-11-19. Review status: criteria provided, single submitter. Criteria: Invitae Variant Classification Sherloc (09022015). Collection method: clinical testing. Allele origin: germline.
Comment: This sequence change replaces alanine, which is neutral and non-polar, with proline, which is neutral and non-polar, at codon 56 of the SUN2 protein (p.Ala56Pro). This variant is present in population databases (rs137966643, gnomAD 0.09%), and has an allele count higher than expected for a pathogenic variant. This variant has not been reported in the literature in individuals affected with SUN2-related conditions. ClinVar contains an entry for this variant (Variation ID: 530819). An algorithm developed to predict the effect of missense changes on protein structure and function (PolyPhen-2) suggests that this variant is likely to be disruptive. Experimental studies have shown that this missense change affects SUN2 function (PMID: 25210889). In summary, the available evidence is currently insufficient to determine the role of this variant in disease. Therefore, it has been classified as a Variant of Uncertain Significance.

Literature cited by the submitters: PubMed 25210889.

NM_015374.3(SUN2):c.166G>C (p.Ala56Pro)

Gene: SUN2 (Sad1 and UNC84 domain containing 2; minus strand). Cytogenetic location: 22q13.1.
Variant type: single nucleotide variant.
Coding change: c.166G>C on transcript NM_015374.3 (MANE Select); coding-DNA position 166, G replaced by C.
Protein change: p.Ala56Pro; replaces alanine 56 with proline.
Molecular consequence: missense variant.
Genome position (GRCh38, 1-based): chr22:38,751,330, C>G on the plus strand (G>C on the coding strand, the complement: SUN2 is on the minus strand). VCF-style: chr22-38751330-C-G. GRCh37 (hg19) VCF-style: chr22-39147335-C-G.
Other names: c.166G>C, p.Ala56Pro (NM_001199579.2, NM_001199580.2); short protein forms A56P.
Identifiers: ClinVar variation 530819 (VCV000530819.9), dbSNP rs137966643, ClinGen allele CA10236075.